The following is an entry in ClinVar:

ClinVar aggregate classification (germline): Benign (1 of 4 stars; one submission).

Conditions:
Loeys-Dietz syndrome 4 (LDS4). Also called: ANEURYSM, AORTIC AND CEREBRAL, WITH ARTERIAL TORTUOSITY AND SKELETAL MANIFESTATIONS; TGFB2-Related Loeys-Dietz Syndrome. Identifiers: MedGen C3553762, MONDO:0013897, OMIM 614816.

Allele frequency attached by ClinVar (database versions not stated): gnomAD 0.00245 and 0.00262; TOPMed 0.00277; 1000 Genomes Project 0.00359; 1000 Genomes Project 30x 0.00468.

Submission:

Illumina Laboratory Services, Illumina
Classification: Benign for Loeys-Dietz syndrome 4. Last evaluated: 2018-01-13. Review status: criteria provided, single submitter. Criteria: ICSL Variant Classification Criteria 13 December 2019. Collection method: clinical testing. Allele origin: germline.
Comment: This variant was observed in the ICSL laboratory as part of a predisposition screen in an ostensibly healthy population. It had not been previously curated by ICSL or reported in the Human Gene Mutation Database (HGMD: prior to June 1st, 2018), and was therefore a candidate for classification through an automated scoring system. Utilizing variant allele frequency, disease prevalence and penetrance estimates, and inheritance mode, an automated score was calculated to assess if this variant is too frequent to cause the disease. Based on the score and internal cut-off values, a variant classified as benign is not then subjected to further curation. The score for this variant resulted in a classification of benign for this disease.

NM_003238.6(TGFB2):c.*2269T>C

Genes: TGFB2 (transforming growth factor beta 2; plus strand), TGFB2-OT1 (TGFB2 overlapping transcript 1; plus strand). Cytogenetic location: 1q41.
Variant type: single nucleotide variant.
Coding change: c.*2269T>C on transcript NM_003238.6 (MANE Select); 2269 bases downstream of the stop codon, T replaced by C.
Molecular consequence: 3 prime UTR variant. On other transcripts: non-coding transcript variant (3).
Genome position (GRCh38, 1-based): chr1:218,443,631, T>C. VCF-style: chr1-218443631-T-C. GRCh37 (hg19) VCF-style: chr1-218616973-T-C.
Other names: c.*2269T>C (NM_001135599.4).
Identifiers: ClinVar variation 295528 (VCV000295528.5), dbSNP rs193244018, ClinGen allele CA10609993.